The following is an entry in ClinVar:

Conditions:
Breast-ovarian cancer, familial, susceptibility to, 1 (BROVCA1). Also called: BRCA1 Hereditary Breast and Ovarian Cancer; OVARIAN CANCER, SUSCEPTIBILITY TO. Identifiers: Orphanet 145, MedGen C2676676, MONDO:0011450, OMIM 604370. Disease mechanism: loss of function.

Submission:

Brotman Baty Institute, University of Washington
No classification provided (evidence only). Condition: Breast-ovarian cancer, familial 1. Review status: no classification provided. Collection method: in vitro. Allele origin: not applicable. Functional consequence: functionally_normal.
ClinVar note: "not provided" was previously submitted as the classification for the variant. However, the classification appeared to be based only on an observation of functional data so it was converted to no classification on 2025-07-30.

NM_007294.4(BRCA1):c.37A>C (p.Asn13His)

Gene: BRCA1 (BRCA1 DNA repair associated; minus strand). Cytogenetic location: 17q21.31.
Variant type: single nucleotide variant.
Coding change: c.37A>C on transcript NM_007294.4 (MANE Select); coding-DNA position 37, A replaced by C.
Protein change: p.Asn13His; replaces asparagine 13 with histidine.
Molecular consequence: missense variant. On other transcripts: 5 prime UTR variant (1), non-coding transcript variant (1).
Genome position (GRCh38, 1-based): chr17:43,124,060, T>G on the plus strand (A>C on the coding strand, the complement: BRCA1 is on the minus strand). VCF-style: chr17-43124060-T-G. GRCh37 (hg19) VCF-style: chr17-41276077-T-G.
Other names: c.-152A>C (NM_001407950.1, NM_001407951.1, NM_001407952.1 and 46 more transcripts); c.-271A>C (NM_001407954.1, NM_001408513.1, NM_001407917.1); c.37A>C, p.Asn13His (NM_001407977.1, NM_001407978.1, NM_001407979.1 and 193 more transcripts); c.-224A>C (NM_001408410.1, NM_001408452.1, NM_001408462.1 and 22 more transcripts); c.-51A>C (NM_001408454.1, NM_001408459.1, NM_001408460.1 and 23 more transcripts); c.-221A>C (NM_001408455.1, NM_001408456.1, NM_001408468.1 and 11 more transcripts); c.-225A>C (NM_001408465.1, NM_001407695.1); c.-297A>C (NM_001408482.1); and 8 more; short protein forms N13H.
Identifiers: ClinVar variation 868719 (VCV000868719.3), dbSNP rs1597923586, ClinGen allele CA10602088.
Genomic context (GRCh38, chr17:43,124,060, plus strand): 5'-CTCTTGTGCTGACTTACCAGATGGGACACTCTAAGATTTTCTGCATAGCATTAATGACAT[T>G]TTGTACTTCTTCAACGCGAAGAGCAGATAAATCCATTTCTTTCTGTTCCAATGAACTTTA-3'
Protein context (NP_009225.1, residues 3-23): LSALRVEEVQ[Asn13His]VINAMQKILE